The following is an entry in ClinVar:

ClinVar aggregate classification (germline): Uncertain significance. Review status: criteria provided, multiple submitters, no conflicts (2 of 4 stars). 2 submissions from 2 submitters: Uncertain significance (2). Last evaluated 2025-09-08.

Conditions:
Blau syndrome (BLAUS). Also called: ARTHROCUTANEOUVEAL GRANULOMATOSIS; GRANULOMATOSIS, FAMILIAL JUVENILE SYSTEMIC; GRANULOMATOSIS, FAMILIAL, BLAU TYPE; GRANULOMATOUS INFLAMMATORY ARTHRITIS, DERMATITIS, AND UVEITIS, FAMILIAL; JABS SYNDROME. Identifiers: Orphanet 90340, MedGen C5201146, MONDO:0008523, OMIM 186580.
Regional enteritis. Also called: Enteritis, Granulomatous. Identifiers: MedGen C0678202, MeSH D003424.

Allele frequency attached by ClinVar (database versions not stated): ExAC 0.00002; gnomAD exomes 0.00002 and 0.00003; TOPMed 0.00003; gnomAD 0.00005.
gnomAD v4.1: 53 of 1,614,234 alleles (0.0033%); highest among the groups gnomAD compares: East Asian, 0.0045%; no homozygotes.

Submissions (2):

Labcorp Genetics (formerly Invitae), Labcorp
Classification: Uncertain significance for Regional enteritis; Blau syndrome. Last evaluated: 2025-09-08. Review status: criteria provided, single submitter. Criteria: Invitae Variant Classification Sherloc (09022015). Collection method: clinical testing. Allele origin: germline.
Comment: This sequence change replaces threonine, which is neutral and polar, with methionine, which is neutral and non-polar, at codon 389 of the NOD2 protein (p.Thr389Met). This variant is present in population databases (rs528926956, gnomAD 0.02%). This missense change has been observed in individual(s) with posterior segment uveitis (PMID: 32707200). ClinVar contains an entry for this variant (Variation ID: 1432783). Invitae Evidence Modeling of protein sequence and biophysical properties (such as structural, functional, and spatial information, amino acid conservation, physicochemical variation, residue mobility, and thermodynamic stability) indicates that this missense variant is not expected to disrupt NOD2 protein function with a negative predictive value of 95%. In summary, the available evidence is currently insufficient to determine the role of this variant in disease. Therefore, it has been classified as a Variant of Uncertain Significance.

Mayo Clinic Laboratories, Mayo Clinic
Classification: Uncertain significance. Last evaluated: 2023-01-30. Review status: criteria provided, single submitter. Criteria: ACMG Guidelines, 2015. Collection method: clinical testing. Allele origin: germline. Observed: 1 variant allele.

Literature cited by the submitters: PubMed 32707200 (cited by Labcorp Genetics (formerly Invitae), Labcorp and Mayo Clinic Laboratories, Mayo Clinic).

NM_001370466.1(NOD2):c.1085C>T (p.Thr362Met)

Gene: NOD2 (nucleotide binding oligomerization domain containing 2; plus strand). Cytogenetic location: 16q12.1.
Variant type: single nucleotide variant.
Coding change: c.1085C>T on transcript NM_001370466.1 (MANE Select); coding-DNA position 1085, C replaced by T.
Protein change: p.Thr362Met; replaces threonine 362 with methionine.
Molecular consequence: missense variant. On other transcripts: non-coding transcript variant (1).
Genome position (GRCh38, 1-based): chr16:50,711,077, C>T. VCF-style: chr16-50711077-C-T. GRCh37 (hg19) VCF-style: chr16-50744988-C-T.
Other names: p.Thr389Met; c.1085C>T, p.Thr362Met (NM_001293557.2); c.1166C>T, p.Thr389Met (NM_022162.3); c.1166C>T (NM_022162.2); short protein forms T389M, T362M.
Identifiers: ClinVar variation 1432783 (VCV001432783.9), dbSNP rs528926956, ClinGen allele CA8051478.